The following is an entry in ClinVar:

NM_001283009.2(RTEL1):c.1210C>A (p.Pro404Thr)

Genes: RTEL1 (regulator of telomere elongation helicase 1; plus strand), RTEL1-TNFRSF6B (RTEL1-TNFRSF6B readthrough (NMD candidate); plus strand). Cytogenetic location: 20q13.33.
Variant type: single nucleotide variant.
Coding change: c.1210C>A on transcript NM_001283009.2 (MANE Select); coding-DNA position 1210, C replaced by A.
Protein change: p.Pro404Thr; replaces proline 404 with threonine.
Molecular consequence: missense variant. On other transcripts: non-coding transcript variant (1).
Genome position (GRCh38, 1-based): chr20:63,685,541, C>A. VCF-style: chr20-63685541-C-A. GRCh37 (hg19) VCF-style: chr20-62316894-C-A.
Other names: c.541C>A, p.Pro181Thr (NM_001283010.1); c.1210C>A, p.Pro404Thr (NM_016434.4); c.1282C>A, p.Pro428Thr (NM_032957.5); short protein forms P181T, P404T, P428T.
Identifiers: ClinVar variation 1408602 (VCV001408602.7), dbSNP rs2090573551, ClinGen allele CA409675644.
Genomic context (GRCh38, chr20:63,685,541, plus strand): 5'-GCCTCAGGCTCCTGACGGGGCTGCACTTCCTCTGCCTTTCAGATTGTGTTCAGTGTGGAC[C>A]CCTCCGAGGGCAGCCCTGGTTCCCCAGCAGGGCTGGGGGCCTTACAGTCCTATAAGGTAG-3'
Protein context (NP_001269938.1, residues 394-414): DIIQIVFSVD[Pro404Thr]SEGSPGSPAG

ClinVar aggregate classification (germline): Uncertain significance (1 of 4 stars; one submission).

Conditions:
Pulmonary fibrosis and/or bone marrow failure, Telomere-related, 3. Also called: PULMONARY FIBROSIS AND/OR BONE MARROW FAILURE SYNDROME, TELOMERE-RELATED, 3. Identifiers: Orphanet 2032, MedGen C4225346, MONDO:0014613, OMIM 616373.
Dyskeratosis congenita, autosomal recessive 5 (DKCB5). Identifiers: MedGen C3554656, MONDO:0014076, OMIM 615190.

Submission:

Labcorp Genetics (formerly Invitae), Labcorp
Classification: Uncertain significance for Dyskeratosis congenita, autosomal recessive 5; Pulmonary fibrosis and/or bone marrow failure, Telomere-related, 3. Last evaluated: 2021-11-12. Review status: criteria provided, single submitter. Criteria: Invitae Variant Classification Sherloc (09022015). Collection method: clinical testing. Allele origin: germline.
Comment: This sequence change replaces proline, which is neutral and non-polar, with threonine, which is neutral and polar, at codon 404 of the RTEL1 protein (p.Pro404Thr). This variant is not present in population databases (gnomAD no frequency). This variant has not been reported in the literature in individuals affected with RTEL1-related conditions. Algorithms developed to predict the effect of missense changes on protein structure and function are either unavailable or do not agree on the potential impact of this missense change (SIFT: "Deleterious"; PolyPhen-2: "Benign"; Align-GVGD: "Class C0"). In summary, the available evidence is currently insufficient to determine the role of this variant in disease. Therefore, it has been classified as a Variant of Uncertain Significance.